The following is an entry in ClinVar:

ClinVar aggregate classification (germline): Uncertain significance (1 of 4 stars; one submission).

Submission:

Ambry Genetics
Classification: Uncertain significance. Last evaluated: 2025-07-21. Review status: criteria provided, single submitter. Criteria: Ambry Variant Classification Scheme 2023. Collection method: clinical testing. Allele origin: germline.
Comment: The p.D782H variant (also known as c.2344G>C), located in coding exon 13 of the GEN1 gene, results from a G to C substitution at nucleotide position 2344. The aspartic acid at codon 782 is replaced by histidine, an amino acid with similar properties. This amino acid position is conserved. In addition, this alteration is predicted to be tolerated by in silico analysis. Based on the available evidence, the clinical significance of this variant remains unclear.

NM_001130009.3(GEN1):c.2344G>C (p.Asp782His)

Gene: GEN1 (GEN1 Holliday junction 5' flap endonuclease; plus strand). Cytogenetic location: 2p24.2.
Variant type: single nucleotide variant.
Coding change: c.2344G>C on transcript NM_001130009.3 (MANE Select); coding-DNA position 2344, G replaced by C.
Protein change: p.Asp782His; replaces aspartic acid 782 with histidine.
Molecular consequence: missense variant.
Genome position (GRCh38, 1-based): chr2:17,781,556, G>C. VCF-style: chr2-17781556-G-C. GRCh37 (hg19) VCF-style: chr2-17962823-G-C.
Other names: c.2344G>C, p.Asp782His (NM_182625.5); short protein forms D782H.
Identifiers: ClinVar variation 4263041 (VCV004263041.1).